The following is an entry in ClinVar:

NM_000264.5(PTCH1):c.1340del (p.Leu447fs)

Gene: PTCH1 (patched 1; minus strand). Cytogenetic location: 9q22.32.
Variant type: Deletion.
Coding change: c.1340del on transcript NM_000264.5 (MANE Select); coding-DNA position 1340, one base deleted (T; older notation c.1340delT).
Protein change: p.Leu447fs; shifts the reading frame from leucine 447.
Molecular consequence: frameshift variant. On other transcripts: non-coding transcript variant (1).
Genome position (GRCh38, 1-based): chr9:95,478,062, A deleted on the plus strand (T on the coding strand, the reverse complement: PTCH1 is on the minus strand); the first of 2 consecutive A bases (chr9:95,478,062-95,478,063); deleting either gives the same sequence. VCF-style (leftmost placement, unchanged base first): chr9-95478061-TA-T. GRCh37 (hg19) VCF-style: chr9-98240343-TA-T.
Other names: c.1142del, p.Leu381fs (NM_001083602.3); c.1337del, p.Leu446fs (NM_001083603.3); c.887del, p.Leu296fs (NM_001083604.3, NM_001083605.3, NM_001083606.3 and 1 more transcripts); c.1340del, p.Leu447fs (NM_001354918.2); short protein forms L296fs, L447fs, L446fs, L381fs.
Identifiers: ClinVar variation 4726756 (VCV004726756.1).

ClinVar aggregate classification (germline): Pathogenic (1 of 4 stars; one submission).

Conditions:
Gorlin syndrome. Also called: Basal cell nevus syndrome; Nevoid Basal Cell Carcinoma Syndrome. Identifiers: Orphanet 377, MedGen C0004779, MONDO:0007187.

Submission:

Labcorp Genetics (formerly Invitae), Labcorp
Classification: Pathogenic for Gorlin syndrome. Last evaluated: 2025-09-07. Review status: criteria provided, single submitter. Criteria: Invitae Variant Classification Sherloc (09022015). Collection method: clinical testing. Allele origin: germline.
Comment: This sequence change creates a premature translational stop signal (p.Leu447Tyrfs*9) in the PTCH1 gene. It is expected to result in an absent or disrupted protein product. Loss-of-function variants in PTCH1 are known to be pathogenic (PMID: 16301862, 16419085). This variant is not present in population databases (gnomAD no frequency). This variant has not been reported in the literature in individuals affected with PTCH1-related conditions. For these reasons, this variant has been classified as Pathogenic.

Literature cited by the submitters: PubMed 16301862; PubMed 16419085.